The following is an entry in ClinVar:

NM_006031.6(PCNT):c.6081G>A (p.Gln2027=)

Gene: PCNT (pericentrin; plus strand). Cytogenetic location: 21q22.3.
Variant type: single nucleotide variant.
Coding change: c.6081G>A on transcript NM_006031.6 (MANE Select); coding-DNA position 6081, G replaced by A.
Protein change: p.Gln2027=; no amino-acid change (glutamine 2027 retained).
Molecular consequence: synonymous variant.
Genome position (GRCh38, 1-based): chr21:46,412,923, G>A. VCF-style: chr21-46412923-G-A. GRCh37 (hg19) VCF-style: chr21-47832837-G-A.
Other names: c.5727G>A, p.Gln1909= (NM_001315529.2); c.6081G>A (NM_006031.5).
Identifiers: ClinVar variation 2698342 (VCV002698342.4), dbSNP rs1329959631, ClinGen allele CA512732702.
Genomic context (GRCh38, chr21:46,412,923, plus strand): 5'-GTTGAAGGATGCACCTCTCTGCAAGCAAGAAGGCGTGATGTCAGTGCTCACCGTCTGCCA[G>A]AGGCAGCTGCAGTCGGAGCTGCTCTTGGTGAAAAATGAAATGCGCCTGAGTCTGGAGGAC-3'
Protein context (NP_006022.3, residues 2017-2037): EGVMSVLTVC[Gln2027=]RQLQSELLLV

ClinVar aggregate classification (germline): Likely benign. Review status: criteria provided, multiple submitters, no conflicts (2 of 4 stars). 2 submissions from 2 submitters: Likely benign (2). Last evaluated 2026-06-29.

Conditions:
PCNT-related disorder. Also called: PCNT-related condition.

gnomAD v4.1: 1 of 1,612,582 alleles (0.000062%); highest among the groups gnomAD compares: African/African-American, 0.0013%; no homozygotes.

Submissions (2):

PreventionGenetics, part of Exact Sciences
Classification: Likely benign for PCNT-related condition. Last evaluated: 2026-06-29. Review status: criteria provided, single submitter. Criteria: ACMG Guidelines, 2015. Collection method: clinical testing. Allele origin: germline.
Comment: This variant is classified as likely benign based on ACMG/AMP sequence variant interpretation guidelines (Richards et al. 2015 PMID: 25741868, with internal and published modifications).

Labcorp Genetics (formerly Invitae), Labcorp
Classification: Likely benign. Last evaluated: 2023-11-24. Review status: criteria provided, single submitter. Criteria: Invitae Variant Classification Sherloc (09022015). Collection method: clinical testing. Allele origin: germline.